The following is an entry in ClinVar:

ClinVar aggregate classification (germline): Pathogenic. Review status: criteria provided, single submitter (1 of 4 stars). 2 submissions from 2 submitters: Pathogenic (1). 1 of the submissions does not count toward it. Last evaluated 2022-08-21.

Conditions:
COL2A1-related disorder. Also called: COL2A1-related condition; COL2A1-related disorders.

Submissions (2):

Labcorp Genetics (formerly Invitae), Labcorp
Classification: Pathogenic. Last evaluated: 2022-08-21. Review status: criteria provided, single submitter. Criteria: Invitae Variant Classification Sherloc (09022015). Collection method: clinical testing. Allele origin: germline.
Comment: For these reasons, this variant has been classified as Pathogenic. This variant has not been reported in the literature in individuals affected with COL2A1-related conditions. This variant is not present in population databases (gnomAD no frequency). This sequence change creates a premature translational stop signal (p.Gly1209Trpfs*44) in the COL2A1 gene. It is expected to result in an absent or disrupted protein product. Loss-of-function variants in COL2A1 are known to be pathogenic (PMID: 20179744).

PreventionGenetics, part of Exact Sciences
Classification: Pathogenic for COL2A1-related condition. Last evaluated: 2024-08-07. Review status: no assertion criteria provided. Collection method: clinical testing. Allele origin: germline. Not counted in ClinVar's aggregate classification.
Comment: The COL2A1 c.3623dupC variant is predicted to result in a frameshift and premature protein termination (p.Gly1209Trpfs*44). This variant has not been reported in the literature or in a large population database, indicating this variant is rare. Frameshift variants in COL2A1 are expected to be pathogenic. This variant is interpreted as pathogenic.

Literature cited by the submitters: PubMed 20179744 (cited by Labcorp Genetics (formerly Invitae), Labcorp).

NM_001844.5(COL2A1):c.3623dup (p.Gly1209fs)

Gene: COL2A1 (collagen type II alpha 1 chain; minus strand). Cytogenetic location: 12q13.11.
Variant type: Duplication.
Coding change: c.3623dup on transcript NM_001844.5 (MANE Select); coding-DNA position 3623, one base duplicated (C; older notation c.3623dupC).
Protein change: p.Gly1209fs; shifts the reading frame from glycine 1209.
Molecular consequence: frameshift variant.
Genome position (GRCh38, 1-based): chr12:47,975,580, G duplicated on the plus strand (C on the coding strand, the reverse complement: COL2A1 is on the minus strand); the first of 5 consecutive G bases (chr12:47,975,580-47,975,584); duplicating any one gives the same sequence. VCF-style (leftmost placement, unchanged base first): chr12-47975579-A-AG. GRCh37 (hg19) VCF-style: chr12-48369362-A-AG.
Other names: c.3623dupC (NM_001844.4); c.3416dup, p.Gly1140fs (NM_033150.3); short protein forms G1140fs, G1209fs.
Identifiers: ClinVar variation 2025723 (VCV002025723.5), dbSNP rs2136512528, ClinGen allele CA2580085676.